The following is an entry in ClinVar:

ClinVar aggregate classification (germline): Uncertain significance. Review status: criteria provided, multiple submitters, no conflicts (2 of 4 stars). 3 submissions from 3 submitters: Uncertain significance (3). Last evaluated 2023-01-03.

Allele frequency attached by ClinVar (database versions not stated): ExAC 0.00002; gnomAD exomes 0.00005; 1000 Genomes Project 30x 0.00016; 1000 Genomes Project 0.00020.
gnomAD v4.1: 114 of 1,614,050 alleles (0.0071%); highest among the groups gnomAD compares: Admixed American, 0.012%; no homozygotes.

Submissions (3):

Blueprint Genetics
Classification: Uncertain significance. Last evaluated: 2023-01-03. Review status: criteria provided, single submitter. Criteria: ACMG Guidelines, 2015. Collection method: clinical testing. Allele origin: germline.

Labcorp Genetics (formerly Invitae), Labcorp
Classification: Uncertain significance. Last evaluated: 2022-10-25. Review status: criteria provided, single submitter. Criteria: Invitae Variant Classification Sherloc (09022015). Collection method: clinical testing. Allele origin: germline.
Comment: This sequence change replaces arginine, which is basic and polar, with serine, which is neutral and polar, at codon 493 of the RUSC2 protein (p.Arg493Ser). This variant is present in population databases (rs200060562, gnomAD 0.01%). This variant has not been reported in the literature in individuals affected with RUSC2-related conditions. ClinVar contains an entry for this variant (Variation ID: 1424233). Algorithms developed to predict the effect of missense changes on protein structure and function (SIFT, PolyPhen-2, Align-GVGD) all suggest that this variant is likely to be disruptive. In summary, the available evidence is currently insufficient to determine the role of this variant in disease. Therefore, it has been classified as a Variant of Uncertain Significance.

CeGaT Center for Human Genetics Tuebingen
Classification: Uncertain significance. Last evaluated: 2022-07-01. Review status: criteria provided, single submitter. Criteria: CeGaT Center For Human Genetics Tuebingen Variant Classification Criteria Version 2. Collection method: clinical testing. Allele origin: germline. Affected: yes. Observed: 1 variant allele.

NM_014806.5(RUSC2):c.1477C>A (p.Arg493Ser)

Gene: RUSC2 (RUN and SH3 domain containing 2; plus strand). Cytogenetic location: 9p13.3.
Variant type: single nucleotide variant.
Coding change: c.1477C>A on transcript NM_014806.5 (MANE Select); coding-DNA position 1477, C replaced by A.
Protein change: p.Arg493Ser; replaces arginine 493 with serine.
Molecular consequence: missense variant. On other transcripts: non-coding transcript variant (1), intron variant (1).
Genome position (GRCh38, 1-based): chr9:35,547,998, C>A. VCF-style: chr9-35547998-C-A. GRCh37 (hg19) VCF-style: chr9-35547995-C-A.
Other names: c.1477C>A, p.Arg493Ser (NM_001135999.2); c.-620-7062C>A (NM_001330740.2); short protein forms R493S.
Identifiers: ClinVar variation 1424233 (VCV001424233.27), dbSNP rs200060562, ClinGen allele CA5043648.
Genomic context (GRCh38, chr9:35,547,998, plus strand): 5'-CCCACTGTGCTTGAGGGACAAGTATACACGAATACTTCACCCCCCAACCTCAGCACTGGA[C>A]GTCAGCGCTCCCGCAGCTATGATCGCAGCCTGCAGCGCAGCCCTCCTGTCCGCCTGGGCT-3'
Protein context (NP_055621.2, residues 483-503): NTSPPNLSTG[Arg493Ser]QRSRSYDRSL